The following is an entry in ClinVar:

NM_006345.4(SLC30A9):c.784G>C (p.Gly262Arg)

Gene: SLC30A9 (solute carrier family 30 member 9; plus strand). Cytogenetic location: 4p13.
Variant type: single nucleotide variant.
Coding change: c.784G>C on transcript NM_006345.4 (MANE Select); coding-DNA position 784, G replaced by C.
Protein change: p.Gly262Arg; replaces glycine 262 with arginine.
Molecular consequence: missense variant.
Genome position (GRCh38, 1-based): chr4:42,049,423, G>C. VCF-style: chr4-42049423-G-C. GRCh37 (hg19) VCF-style: chr4-42051440-G-C.
Other names: short protein forms G262R.
Identifiers: ClinVar variation 4527083 (VCV004527083.1).

ClinVar aggregate classification (germline): Uncertain significance (1 of 4 stars; one submission).

gnomAD v4.1: 20 of 1,611,348 alleles (0.0012%); highest among the groups gnomAD compares: Admixed American, 0.028%; no homozygotes.

Submission:

GeneDx
Classification: Uncertain significance. Last evaluated: 2025-04-10. Review status: criteria provided, single submitter. Criteria: GeneDx Variant Classification Process June 2021. Collection method: clinical testing. Allele origin: germline. Affected: yes.
Comment: In silico analysis supports that this missense variant has a deleterious effect on protein structure/function; Has not been previously published as pathogenic or benign to our knowledge